The following is an entry in ClinVar:

NM_201384.3(PLEC):c.6715_6716delinsTT (p.Glu2239Leu)

Gene: PLEC (plectin; minus strand). Cytogenetic location: 8q24.3.
Variant type: Indel.
Coding change: c.6715_6716delinsTT on transcript NM_201384.3 (MANE Select); coding-DNA positions 6715 to 6716, GA replaced by TT.
Protein change: p.Glu2239Leu; replaces glutamic acid 2239 with leucine.
Molecular consequence: missense variant.
Genome position (GRCh38, 1-based): chr8:143,923,213-143,923,214, TC replaced by AA on the plus strand (GA replaced by TT on the coding strand, the reverse complement: PLEC is on the minus strand). VCF-style: chr8-143923213-TC-AA. GRCh37 (hg19) VCF-style: chr8-144997381-TC-AA.
Other names: c.6796_6797delinsTT, p.Glu2266Leu (NM_000445.5); c.6673_6674delinsTT, p.Glu2225Leu (NM_201378.4); c.6649_6650delinsTT, p.Glu2217Leu (NM_201379.3); c.7126_7127delinsTT, p.Glu2376Leu (NM_201380.4); c.6619_6620delinsTT, p.Glu2207Leu (NM_201381.3); c.6715_6716delinsTT, p.Glu2239Leu (NM_201382.4); c.6727_6728delinsTT, p.Glu2243Leu (NM_201383.3); short protein forms E2225L, E2217L, E2243L, E2266L, E2376L, E2207L, E2239L.
Identifiers: ClinVar variation 1481014 (VCV001481014.6), dbSNP rs2131310237, ClinGen allele CA2573142884.

ClinVar aggregate classification (germline): Uncertain significance (1 of 4 stars; one submission).

Conditions:
Autosomal recessive limb-girdle muscular dystrophy type 2Q (LGMDR17). Also called: MUSCULAR DYSTROPHY, LIMB-GIRDLE, AUTOSOMAL RECESSIVE 17. Identifiers: Orphanet 254361, MedGen C3150989, MONDO:0013390, OMIM 613723.
Epidermolysis bullosa simplex 5B, with muscular dystrophy (EBS5B). Also called: EPIDERMOLYSIS BULLOSA SIMPLEX AND LIMB-GIRDLE MUSCULAR DYSTROPHY; Epidermolysis bullosa simplex with muscular dystrophy. Identifiers: Orphanet 257, MedGen C2931072, MONDO:0009181, OMIM 226670.
Epidermolysis bullosa simplex, Ogna type (EBS5A). Also called: Pidermolysis bullosa simplex 5A, Ogna type; EPIDERMOLYSIS BULLOSA SIMPLEX 5A, OGNA TYPE. Identifiers: Orphanet 79401, MedGen C0432317, MONDO:0007555, OMIM 131950.
Epidermolysis bullosa simplex with nail dystrophy (EBS5D). Identifiers: MedGen C4225309, MONDO:0014661, OMIM 616487.
Epidermolysis bullosa simplex 5C, with pyloric atresia (EBS5C). Also called: Epidermolysis bullosa simplex with pyloric atresia; PLEC1-Related Epidermolysis Bullosa with Pyloric Atresia; PLEC-Related Epidermolysis Bullosa with Pyloric Atresia. Identifiers: Orphanet 158684, MedGen C2677349, MONDO:0012807, OMIM 612138.

Submission:

Labcorp Genetics (formerly Invitae), Labcorp
Classification: Uncertain significance for Autosomal recessive limb-girdle muscular dystrophy type 2Q; Epidermolysis bullosa simplex, Ogna type; Epidermolysis bullosa simplex with nail dystrophy; Epidermolysis bullosa simplex 5C, with pyloric atresia; Epidermolysis bullosa simplex 5B, with muscular dystrophy. Last evaluated: 2024-05-20. Review status: criteria provided, single submitter. Criteria: Invitae Variant Classification Sherloc (09022015). Collection method: clinical testing. Allele origin: germline.
Comment: This sequence change replaces glutamic acid, which is acidic and polar, with leucine, which is neutral and non-polar, at codon 2266 of the PLEC protein (p.Glu2266Leu). This variant is present in population databases (no rsID available, gnomAD 0.003%). This variant has not been reported in the literature in individuals affected with PLEC-related conditions. ClinVar contains an entry for this variant (Variation ID: 1481014). An algorithm developed to predict the effect of missense changes on protein structure and function (PolyPhen-2) suggests that this variant is likely to be disruptive. In summary, the available evidence is currently insufficient to determine the role of this variant in disease. Therefore, it has been classified as a Variant of Uncertain Significance.